The following is an entry in ClinVar:

NM_000138.5(FBN1):c.1130G>A (p.Cys377Tyr)

Genes: FBN1 (fibrillin 1; minus strand), LOC113939944 (Sharpr-MPRA regulatory region 9539; plus strand). Cytogenetic location: 15q21.1.
Variant type: single nucleotide variant.
Coding change: c.1130G>A on transcript NM_000138.5 (MANE Select); coding-DNA position 1130, G replaced by A.
Protein change: p.Cys377Tyr; replaces cysteine 377 with tyrosine.
Molecular consequence: missense variant.
Genome position (GRCh38, 1-based): chr15:48,520,676, C>T on the plus strand (G>A on the coding strand, the complement: FBN1 is on the minus strand). VCF-style: chr15-48520676-C-T. GRCh37 (hg19) VCF-style: chr15-48812873-C-T.
Other names: short protein forms C377Y.
Identifiers: ClinVar variation 803097 (VCV000803097.11), dbSNP rs1597583989, ClinGen allele CA392347105.

ClinVar aggregate classification (germline): Pathogenic/Likely pathogenic. Review status: criteria provided, multiple submitters, no conflicts (2 of 4 stars). 4 submissions from 4 submitters: Pathogenic (1); Likely pathogenic (3). Last evaluated 2025-09-02.

Conditions:
Marfan syndrome (MFS). Also called: FBN1-Related Marfan Syndrome; Marfan's syndrome; MARFAN SYNDROME, TYPE I; Marfan syndrome type 1; Marfan syndrome, classic. Identifiers: Orphanet 284963, Orphanet 558, MedGen C0024796, MONDO:0007947, OMIM 154700.
Familial thoracic aortic aneurysm and aortic dissection (TAAD). Also called: Thoracic aortic aneurysms and dissections. Identifiers: Orphanet 91387, MedGen C4707243, MONDO:0019625.
Achondroplasia (ACH). Also called: Achondroplastic dwarfism. Identifiers: Orphanet 15, MedGen C0001080, MONDO:0007037, OMIM 100800. Disease mechanism: gain of function.
FBN1-related disorder. Also called: FBN1-related disorders.

Submissions (4):

Labcorp Genetics (formerly Invitae), Labcorp
Classification: Pathogenic for Marfan syndrome; Familial thoracic aortic aneurysm and aortic dissection. Last evaluated: 2025-09-02. Review status: criteria provided, single submitter. Criteria: Invitae Variant Classification Sherloc (09022015). Collection method: clinical testing. Allele origin: germline.
Comment: This sequence change replaces cysteine, which is neutral and slightly polar, with tyrosine, which is neutral and polar, at codon 377 of the FBN1 protein (p.Cys377Tyr). This variant is not present in population databases (gnomAD no frequency). This missense change has been observed in individual(s) with clinical features of Marfan syndrome (internal data). ClinVar contains an entry for this variant (Variation ID: 803097). Invitae Evidence Modeling of protein sequence and biophysical properties (such as structural, functional, and spatial information, amino acid conservation, physicochemical variation, residue mobility, and thermodynamic stability) indicates that this missense variant is expected to disrupt FBN1 protein function with a positive predictive value of 95%. Experimental studies are conflicting or provide insufficient evidence to determine the effect of this variant on FBN1 function (PMID: 33436942). This variant affects a cysteine residue in the EGF-like, TGFBP or hybrid motif domains of FBN1. Cysteine residues are believed to be involved in intramolecular disulfide bridges and have been shown to be important for FBN1 protein structure (PMID: 16905551, 19349279). In addition, missense substitutions affecting cysteine residues within these domains are significantly overrepresented among patients with Marfan syndrome (PMID: 16571647, 17701892). This variant disrupts the p.Cys377 amino acid residue in FBN1. Other variant(s) that disrupt this residue have been observed in individuals with FBN1-related conditions (PMID: 28855619; internal data), which suggests that this may be a clinically significant amino acid residue. For these reasons, this variant has been classified as Pathogenic.

Mendelics
Classification: Likely pathogenic for Marfan syndrome. Last evaluated: 2019-05-28. Review status: criteria provided, single submitter. Criteria: Mendelics Assertion Criteria 2017. Collection method: clinical testing. Allele origin: unknown.

Blueprint Genetics
Classification: Likely pathogenic for FBN1-related disorders. Last evaluated: 2018-11-16. Review status: criteria provided, single submitter. Criteria: ACMG Guidelines, 2015. Collection method: clinical testing. Allele origin: germline. Affected: yes. Observed: 1 variant allele.

Kasturba Medical College, Manipal, Kasturba Medical College, Manipal, Manipal Academy of Higher Education, Manipal, India
Classification: Likely pathogenic for Achondroplasia. Review status: criteria provided, single submitter. Criteria: ACMG Guidelines, 2015. Collection method: research. Allele origin: de novo. Inheritance: Autosomal dominant inheritance. Affected: yes.

Literature cited by the submitters: PubMed 33436942 (cited by Labcorp Genetics (formerly Invitae), Labcorp); PubMed 16905551 (cited by Labcorp Genetics (formerly Invitae), Labcorp); PubMed 19349279 (cited by Labcorp Genetics (formerly Invitae), Labcorp); PubMed 16571647 (cited by Labcorp Genetics (formerly Invitae), Labcorp); PubMed 17701892 (cited by Labcorp Genetics (formerly Invitae), Labcorp); PubMed 28855619 (cited by Labcorp Genetics (formerly Invitae), Labcorp).